The following is an entry in ClinVar:

NM_183381.3(RNF13):c.799G>A (p.Val267Ile)

Gene: RNF13 (ring finger protein 13; plus strand). Cytogenetic location: 3q25.1.
Variant type: single nucleotide variant.
Coding change: c.799G>A on transcript NM_183381.3 (MANE Select); coding-DNA position 799, G replaced by A.
Protein change: p.Val267Ile; replaces valine 267 with isoleucine.
Molecular consequence: missense variant. On other transcripts: non-coding transcript variant (1).
Genome position (GRCh38, 1-based): chr3:149,960,757, G>A. VCF-style: chr3-149960757-G-A. GRCh37 (hg19) VCF-style: chr3-149678544-G-A.
Other names: c.799G>A, p.Val267Ile (NM_001378285.1, NM_001378286.1, NM_007282.4); c.442G>A, p.Val148Ile (NM_001378287.1, NM_001378288.1, NM_001378289.1 and 2 more transcripts); c.406G>A, p.Val136Ile (NM_001378291.1); short protein forms V267I, V136I, V148I.
Identifiers: ClinVar variation 4769633 (VCV004769633.1).

ClinVar aggregate classification (germline): Uncertain significance (1 of 4 stars; one submission).

Submission:

Labcorp Genetics (formerly Invitae), Labcorp
Classification: Uncertain significance. Last evaluated: 2025-02-12. Review status: criteria provided, single submitter. Criteria: Invitae Variant Classification Sherloc (09022015). Collection method: clinical testing. Allele origin: germline.
Comment: This sequence change replaces valine, which is neutral and non-polar, with isoleucine, which is neutral and non-polar, at codon 267 of the RNF13 protein (p.Val267Ile). This variant is present in population databases (rs367592081, gnomAD 0.007%). This variant has not been reported in the literature in individuals affected with RNF13-related conditions. Invitae Evidence Modeling of protein sequence and biophysical properties (such as structural, functional, and spatial information, amino acid conservation, physicochemical variation, residue mobility, and thermodynamic stability) indicates that this missense variant is not expected to disrupt RNF13 protein function with a negative predictive value of 80%. In summary, the available evidence is currently insufficient to determine the role of this variant in disease. Therefore, it has been classified as a Variant of Uncertain Significance.